The following is an entry in ClinVar:

NM_015559.3(SETBP1):c.1268C>T (p.Ser423Phe)

Gene: SETBP1 (SET binding protein 1; plus strand). Cytogenetic location: 18q12.3.
Variant type: single nucleotide variant.
Coding change: c.1268C>T on transcript NM_015559.3 (MANE Select); coding-DNA position 1268, C replaced by T.
Protein change: p.Ser423Phe; replaces serine 423 with phenylalanine.
Molecular consequence: missense variant.
Genome position (GRCh38, 1-based): chr18:44,950,608, C>T. VCF-style: chr18-44950608-C-T. GRCh37 (hg19) VCF-style: chr18-42530573-C-T.
Other names: c.1268C>T, p.Ser423Phe (NM_001379141.1, NM_001379142.1, NM_001410862.1); short protein forms S423F.
Identifiers: ClinVar variation 3670517 (VCV003670517.2).

ClinVar aggregate classification (germline): Uncertain significance (1 of 4 stars; one submission).

Submission:

Labcorp Genetics (formerly Invitae), Labcorp
Classification: Uncertain significance. Last evaluated: 2024-06-09. Review status: criteria provided, single submitter. Criteria: Invitae Variant Classification Sherloc (09022015). Collection method: clinical testing. Allele origin: germline.
Comment: This sequence change replaces serine, which is neutral and polar, with phenylalanine, which is neutral and non-polar, at codon 423 of the SETBP1 protein (p.Ser423Phe). This variant is not present in population databases (gnomAD no frequency). This variant has not been reported in the literature in individuals affected with SETBP1-related conditions. Advanced modeling of protein sequence and biophysical properties (such as structural, functional, and spatial information, amino acid conservation, physicochemical variation, residue mobility, and thermodynamic stability) has been performed at Invitae for this missense variant, however the output from this modeling did not meet the statistical confidence thresholds required to predict the impact of this variant on SETBP1 protein function. In summary, the available evidence is currently insufficient to determine the role of this variant in disease. Therefore, it has been classified as a Variant of Uncertain Significance.